The following is an entry in ClinVar:

NM_139027.6(ADAMTS13):c.770_771delinsAA (p.Arg257Gln)

Gene: ADAMTS13 (ADAM metallopeptidase with thrombospondin type 1 motif 13; plus strand). Cytogenetic location: 9q34.2.
Variant type: Indel.
Coding change: c.770_771delinsAA on transcript NM_139027.6 (MANE Select); coding-DNA positions 770 to 771, GC replaced by AA.
Protein change: p.Arg257Gln; replaces arginine 257 with glutamine.
Molecular consequence: missense variant.
Genome position (GRCh38, 1-based): chr9:133,428,717-133,428,718, GC replaced by AA. VCF-style: chr9-133428717-GC-AA. GRCh37 (hg19) VCF-style: chr9-136293837-GC-AA.
Other names: c.770_771delinsAA, p.Arg257Gln (NM_139025.5, NM_139026.6); short protein forms R257Q.
Identifiers: ClinVar variation 3147119 (VCV003147119.1), dbSNP rs2491102246, ClinGen allele CA2825001620.

ClinVar aggregate classification (germline): Uncertain significance (1 of 4 stars; one submission).

Conditions:
Inborn genetic diseases. Identifiers: MedGen C0950123, MeSH D030342.

Submission:

Ambry Genetics
Classification: Uncertain significance for Inborn genetic diseases. Last evaluated: 2023-12-22. Review status: criteria provided, single submitter. Criteria: Ambry Variant Classification Scheme 2023. Collection method: clinical testing. Allele origin: germline.
Comment: The c.770_771delGCinsAA (p.R257Q) alteration, located in exon 7 (coding exon 7) of the ADAMTS13 gene, consists of an in-frame substitution of 2 nucleotides from position 770 to 771, resulting in the insertion of <NA> residues. Based on insufficient or conflicting evidence, the clinical significance of this alteration remains unclear.